The following is an entry in ClinVar:

ClinVar aggregate classification (germline): Uncertain significance (1 of 4 stars; one submission).

Conditions:
Tuberous sclerosis 1 (TSC1). Identifiers: Orphanet 805, MedGen C1854465, MONDO:0008612, OMIM 191100.

Submission:

Labcorp Genetics (formerly Invitae), Labcorp
Classification: Uncertain significance for Tuberous sclerosis 1. Last evaluated: 2021-06-15. Review status: criteria provided, single submitter. Criteria: Invitae Variant Classification Sherloc (09022015). Collection method: clinical testing. Allele origin: germline.
Comment: Algorithms developed to predict the effect of missense changes on protein structure and function are either unavailable or do not agree on the potential impact of this missense change (SIFT: "Tolerated"; PolyPhen-2: "Probably Damaging"; Align-GVGD: "Class C0"). This sequence change replaces aspartic acid with glycine at codon 1155 of the TSC1 protein (p.Asp1155Gly). The aspartic acid residue is moderately conserved and there is a moderate physicochemical difference between aspartic acid and glycine. This variant is not present in population databases (ExAC no frequency). This variant has not been reported in the literature in individuals with TSC1-related conditions. In summary, the available evidence is currently insufficient to determine the role of this variant in disease. Therefore, it has been classified as a Variant of Uncertain Significance.

NM_000368.5(TSC1):c.3464A>G (p.Asp1155Gly)

Gene: TSC1 (TSC complex subunit 1; minus strand). Cytogenetic location: 9q34.13.
Variant type: single nucleotide variant.
Coding change: c.3464A>G on transcript NM_000368.5 (MANE Select); coding-DNA position 3464, A replaced by G.
Protein change: p.Asp1155Gly; replaces aspartic acid 1155 with glycine.
Molecular consequence: missense variant.
Genome position (GRCh38, 1-based): chr9:132,896,266, T>C on the plus strand (A>G on the coding strand, the complement: TSC1 is on the minus strand). VCF-style: chr9-132896266-T-C. GRCh37 (hg19) VCF-style: chr9-135771653-T-C.
Other names: c.3461A>G, p.Asp1154Gly (NM_001162426.2); c.3311A>G, p.Asp1104Gly (NM_001162427.2); c.3101A>G, p.Asp1034Gly (NM_001362177.2); short protein forms D1104G, D1154G, D1034G, D1155G.
Identifiers: ClinVar variation 1483815 (VCV001483815.8), dbSNP rs2131585776, ClinGen allele CA375366318.